The following is an entry in ClinVar:

NM_033026.6(PCLO):c.38C>T (p.Pro13Leu)

Genes: PCLO (piccolo presynaptic cytomatrix protein; minus strand), LOC129998728 (ATAC-STARR-seq lymphoblastoid silent region 18336; plus strand). Cytogenetic location: 7q21.11.
Variant type: single nucleotide variant.
Coding change: c.38C>T on transcript NM_033026.6 (MANE Select); coding-DNA position 38, C replaced by T.
Protein change: p.Pro13Leu; replaces proline 13 with leucine.
Molecular consequence: missense variant.
Genome position (GRCh38, 1-based): chr7:83,162,555, G>A on the plus strand (C>T on the coding strand, the complement: PCLO is on the minus strand). VCF-style: chr7-83162555-G-A. GRCh37 (hg19) VCF-style: chr7-82791871-G-A.
Other names: c.38C>T, p.Pro13Leu (NM_014510.3); c.38C>T (NM_033026.5); short protein forms P13L.
Identifiers: ClinVar variation 1356462 (VCV001356462.7), dbSNP rs1302350053, ClinGen allele CA367922687.

ClinVar aggregate classification (germline): Uncertain significance. Review status: criteria provided, multiple submitters, no conflicts (2 of 4 stars). 2 submissions from 2 submitters: Uncertain significance (2). Last evaluated 2025-05-11.

Conditions:
Inborn genetic diseases. Identifiers: MedGen C0950123, MeSH D030342.

Allele frequency attached by ClinVar (database versions not stated): gnomAD 0.00001; gnomAD exomes 0.00001; TOPMed 0.00001.
gnomAD v4.1: 7 of 1,551,622 alleles (0.00045%); highest among the groups gnomAD compares: East Asian, 0.017%; no homozygotes.

Submissions (2):

Labcorp Genetics (formerly Invitae), Labcorp
Classification: Uncertain significance. Last evaluated: 2025-05-11. Review status: criteria provided, single submitter. Criteria: Invitae Variant Classification Sherloc (09022015). Collection method: clinical testing. Allele origin: germline.
Comment: This sequence change replaces proline, which is neutral and non-polar, with leucine, which is neutral and non-polar, at codon 13 of the PCLO protein (p.Pro13Leu). The frequency data for this variant in the population databases is considered unreliable, as metrics indicate poor data quality at this position in the gnomAD database. This variant has not been reported in the literature in individuals affected with PCLO-related conditions. ClinVar contains an entry for this variant (Variation ID: 1356462). Experimental studies and prediction algorithms are not available or were not evaluated, and the functional significance of this variant is currently unknown. In summary, the available evidence is currently insufficient to determine the role of this variant in disease. Therefore, it has been classified as a Variant of Uncertain Significance.

Ambry Genetics
Classification: Uncertain significance for Inborn genetic diseases. Last evaluated: 2022-12-01. Review status: criteria provided, single submitter. Criteria: Ambry Variant Classification Scheme 2023. Collection method: clinical testing. Allele origin: germline.